The following is an entry in ClinVar:

NM_014956.5(CEP164):c.1035G>A (p.Lys345=)

Gene: CEP164 (centrosomal protein 164; plus strand). Cytogenetic location: 11q23.3.
Variant type: single nucleotide variant.
Coding change: c.1035G>A on transcript NM_014956.5 (MANE Select); coding-DNA position 1035, G replaced by A.
Protein change: p.Lys345=; no amino-acid change (lysine 345 retained).
Molecular consequence: synonymous variant.
Genome position (GRCh38, 1-based): chr11:117,371,349, G>A. VCF-style: chr11-117371349-G-A. GRCh37 (hg19) VCF-style: chr11-117242065-G-A.
Other names: c.1035G>A, p.Lys345= (NM_001271933.2); c.1035G>A (NM_014956.4).
Identifiers: ClinVar variation 2977517 (VCV002977517.5), dbSNP rs1331350171, ClinGen allele CA477051336.

ClinVar aggregate classification (germline): Likely benign. Review status: criteria provided, multiple submitters, no conflicts (2 of 4 stars). 3 submissions from 3 submitters: Likely benign (3). Last evaluated 2025-11-24.

Conditions:
CEP164-related disorder. Also called: CEP164-related condition.
Nephronophthisis 15 (NPHP15). Identifiers: Orphanet 3156, MedGen C3541853, MONDO:0013917, OMIM 614845.

Allele frequency attached by ClinVar (database versions not stated): TOPMed below 0.00001; gnomAD 0.00001; gnomAD exomes 0.00001.
gnomAD v4.1: 7 of 1,614,106 alleles (0.00043%); highest among the groups gnomAD compares: Non-Finnish European, 0.00051%; no homozygotes.

Submissions (3):

PreventionGenetics, part of Exact Sciences
Classification: Likely benign for CEP164-related condition. Last evaluated: 2025-11-24. Review status: criteria provided, single submitter. Criteria: ACMG Guidelines, 2015. Collection method: clinical testing. Allele origin: germline.
Comment: This variant is classified as likely benign based on ACMG/AMP sequence variant interpretation guidelines (Richards et al. 2015 PMID: 25741868, with internal and published modifications).

Labcorp Genetics (formerly Invitae), Labcorp
Classification: Likely benign for Nephronophthisis 15. Last evaluated: 2023-01-19. Review status: criteria provided, single submitter. Criteria: Invitae Variant Classification Sherloc (09022015). Collection method: clinical testing. Allele origin: germline.

Blueprint Genetics
Classification: Likely benign. Last evaluated: 2018-11-09. Review status: criteria provided, single submitter. Criteria: ACMG Guidelines, 2015. Collection method: clinical testing. Allele origin: germline.